The following is an entry in ClinVar:

NM_001378454.1(ALMS1):c.8957C>T (p.Pro2986Leu)

Gene: ALMS1 (ALMS1 centrosome and basal body associated protein; plus strand). Cytogenetic location: 2p13.1.
Variant type: single nucleotide variant.
Coding change: c.8957C>T on transcript NM_001378454.1 (MANE Select); coding-DNA position 8957, C replaced by T.
Protein change: p.Pro2986Leu; replaces proline 2986 with leucine.
Molecular consequence: missense variant.
Genome position (GRCh38, 1-based): chr2:73,490,916, C>T. VCF-style: chr2-73490916-C-T. GRCh37 (hg19) VCF-style: chr2-73718043-C-T.
Other names: c.8960C>T, p.Pro2987Leu (NM_015120.4); short protein forms P2987L, P2986L.
Identifiers: ClinVar variation 1398063 (VCV001398063.5), dbSNP rs1022866808, ClinGen allele CA347271901.
Genomic context (GRCh38, chr2:73,490,916, plus strand): 5'-TTGAACAATGCCAAAGCAAAGCGCCAGGTGTAGATGACCAAATGAATAAACACCATTTTC[C>T]CCTTCCTCAAGGTCAGGATTGTGTAGTGGAAAAGAATAATCAACATAAGCCTAAATCACA-3'
Protein context (NP_001365383.1, residues 2976-2996): VDDQMNKHHF[Pro2986Leu]LPQGQDCVVE

ClinVar aggregate classification (germline): Uncertain significance. Review status: criteria provided, multiple submitters, no conflicts (2 of 4 stars). 2 submissions from 2 submitters: Uncertain significance (2). Last evaluated 2022-07-25.

Conditions:
Alstrom syndrome (ALMS). Identifiers: Orphanet 64, MedGen C0268425, MONDO:0008763, OMIM 203800.

gnomAD v4.1: 3 of 1,613,690 alleles (0.00019%); highest among the groups gnomAD compares: Admixed American, 0.0017%; no homozygotes.

Submissions (2):

Labcorp Genetics (formerly Invitae), Labcorp
Classification: Uncertain significance for Alstrom syndrome. Last evaluated: 2022-07-25. Review status: criteria provided, single submitter. Criteria: Invitae Variant Classification Sherloc (09022015). Collection method: clinical testing. Allele origin: germline.
Comment: This variant has not been reported in the literature in individuals affected with ALMS1-related conditions. This variant is present in population databases (no rsID available, gnomAD 0.003%). This sequence change replaces proline with leucine at codon 2987 of the ALMS1 protein (p.Pro2987Leu). The proline residue is moderately conserved and there is a moderate physicochemical difference between proline and leucine. ClinVar contains an entry for this variant (Variation ID: 1398063). In summary, the available evidence is currently insufficient to determine the role of this variant in disease. Therefore, it has been classified as a Variant of Uncertain Significance. Experimental studies and prediction algorithms are not available or were not evaluated, and the functional significance of this variant is currently unknown.

Blueprint Genetics
Classification: Uncertain significance. Last evaluated: 2020-09-25. Review status: criteria provided, single submitter. Criteria: ACMG Guidelines, 2015. Collection method: clinical testing. Allele origin: germline.